The following is an entry in ClinVar:

NM_006231.4(POLE):c.285+1_285+5del

Gene: POLE (DNA polymerase epsilon, catalytic subunit; minus strand). Cytogenetic location: 12q24.33.
Variant type: Deletion.
Coding change: c.285+1_285+5del on transcript NM_006231.4 (MANE Select); the canonical splice donor site of the intron after coding-DNA position 285 through 5 bases into the intron after coding-DNA position 285, 5 bases deleted (GTAAG; older notation c.285+1_285+5delGTAAG).
Molecular consequence: splice donor variant.
Genome position (GRCh38, 1-based): chr12:132,680,602-132,680,606, CTTAC deleted on the plus strand (GTAAG on the coding strand, the reverse complement: POLE is on the minus strand); deleting any 5 consecutive bases within chr12:132,680,602-132,680,610 gives the same sequence; the c. name uses the placement nearest the transcript's 3' end. VCF-style (leftmost placement, unchanged base first): chr12-132680601-GCTTAC-G. GRCh37 (hg19) VCF-style: chr12-133257187-GCTTAC-G.
Identifiers: ClinVar variation 4841494 (VCV004841494.1).

ClinVar aggregate classification (germline): Uncertain significance (1 of 4 stars; one submission).

Conditions:
Hereditary cancer-predisposing syndrome. Also called: Neoplastic Syndromes, Hereditary; Tumor predisposition; Hereditary Cancer Syndrome; Hereditary neoplastic syndrome. Identifiers: Orphanet 140162, MedGen C0027672, MeSH D009386, MONDO:0015356.

Submission:

Ambry Genetics
Classification: Uncertain significance for Hereditary cancer-predisposing syndrome. Last evaluated: 2025-12-22. Review status: criteria provided, single submitter. Criteria: Ambry Variant Classification Scheme 2023. Collection method: clinical testing. Allele origin: germline.
Comment: The c.285+1_285+5delGTAAG intronic variant, located in intron 3 of the POLE gene, results from a deletion of 5 nucleotides within intron 3 of the POLE gene. Alterations that disrupt the canonical splice site are expected to result in aberrant splicing. In silico splice site analysis predicts that this alteration will weaken the native splice donor site. A resulting transcript is predicted to be in-frame and is not expected to trigger nonsense-mediated mRNA decay. RNA studies have demonstrated that this alteration results in a transcript predicted to lead to a protein with an in-frame deletion of 27 amino acids; however, the exact functional impact of the deleted amino acids is unknown at this time (Ambry internal data). These nucleotide positions are well conserved in available vertebrate species. Based on the available evidence, the clinical significance of this variant remains unclear.